The following is an entry in ClinVar:

ClinVar aggregate classification (germline): Uncertain significance (1 of 4 stars; one submission).

Conditions:
Charcot-Marie-Tooth disease type 2. Also called: Charcot-Marie-Tooth type 2. Identifiers: Orphanet 64746, MedGen C0270914, MONDO:0018993.

Allele frequency attached by ClinVar (database versions not stated): gnomAD exomes below 0.00001; TOPMed below 0.00001.
gnomAD v4.1: 4 of 1,614,146 alleles (0.00025%); highest among the groups gnomAD compares: Non-Finnish European, 0.00034%; no homozygotes.

Submission:

Labcorp Genetics (formerly Invitae), Labcorp
Classification: Uncertain significance for Charcot-Marie-Tooth disease type 2. Last evaluated: 2024-04-18. Review status: criteria provided, single submitter. Criteria: Invitae Variant Classification Sherloc (09022015). Collection method: clinical testing. Allele origin: germline.
Comment: This sequence change replaces proline, which is neutral and non-polar, with serine, which is neutral and polar, at codon 37 of the AARS protein (p.Pro37Ser). This variant is present in population databases (no rsID available, gnomAD 0.0009%). This variant has not been reported in the literature in individuals affected with AARS-related conditions. ClinVar contains an entry for this variant (Variation ID: 476730). Advanced modeling of protein sequence and biophysical properties (such as structural, functional, and spatial information, amino acid conservation, physicochemical variation, residue mobility, and thermodynamic stability) has been performed at Invitae for this missense variant, however the output from this modeling did not meet the statistical confidence thresholds required to predict the impact of this variant on AARS protein function. In summary, the available evidence is currently insufficient to determine the role of this variant in disease. Therefore, it has been classified as a Variant of Uncertain Significance.

NM_001605.3(AARS1):c.109C>T (p.Pro37Ser)

Gene: AARS1 (alanyl-tRNA synthetase 1; minus strand). Cytogenetic location: 16q22.1.
Variant type: single nucleotide variant.
Coding change: c.109C>T on transcript NM_001605.3 (MANE Select); coding-DNA position 109, C replaced by T.
Protein change: p.Pro37Ser; replaces proline 37 with serine.
Molecular consequence: missense variant.
Genome position (GRCh38, 1-based): chr16:70,282,655, G>A on the plus strand (C>T on the coding strand, the complement: AARS1 is on the minus strand). VCF-style: chr16-70282655-G-A. GRCh37 (hg19) VCF-style: chr16-70316558-G-A.
Other names: short protein forms P37S.
Identifiers: ClinVar variation 476730 (VCV000476730.8), dbSNP rs1005079274, ClinGen allele CA283453838.